The following is an entry in ClinVar:

ClinVar aggregate classification (germline): Uncertain significance (1 of 4 stars; one submission).

Conditions:
Hereditary breast ovarian cancer syndrome. Also called: Hereditary breast and ovarian cancer syndrome (HBOC); Hereditary breast and/or ovarian cancer syndrome; Hereditary breast and ovarian cancer syndrome; Breast and ovarian cancer; Hereditary breast and ovarian cancer; BRCA1- and BRCA2-Associated Hereditary Breast and Ovarian Cancer. Identifiers: Orphanet 145, MedGen C0677776, MeSH D061325, MONDO:0003582. Disease mechanism: loss of function.

Submission:

Labcorp Genetics (formerly Invitae), Labcorp
Classification: Uncertain significance for Hereditary breast ovarian cancer syndrome. Last evaluated: 2023-09-12. Review status: criteria provided, single submitter. Criteria: Invitae Variant Classification Sherloc (09022015). Collection method: clinical testing. Allele origin: germline.
Comment: This sequence change replaces serine, which is neutral and polar, with leucine, which is neutral and non-polar, at codon 1007 of the BRCA1 protein (p.Ser1007Leu). This variant is not present in population databases (gnomAD no frequency). This variant has not been reported in the literature in individuals affected with BRCA1-related conditions. Advanced modeling of protein sequence and biophysical properties (such as structural, functional, and spatial information, amino acid conservation, physicochemical variation, residue mobility, and thermodynamic stability) performed at Invitae indicates that this missense variant is not expected to disrupt BRCA1 protein function. In summary, the available evidence is currently insufficient to determine the role of this variant in disease. Therefore, it has been classified as a Variant of Uncertain Significance.

NM_007294.4(BRCA1):c.3020C>T (p.Ser1007Leu)

Gene: BRCA1 (BRCA1 DNA repair associated; minus strand). Cytogenetic location: 17q21.31.
Variant type: single nucleotide variant.
Coding change: c.3020C>T on transcript NM_007294.4 (MANE Select); coding-DNA position 3020, C replaced by T.
Protein change: p.Ser1007Leu; replaces serine 1007 with leucine.
Molecular consequence: missense variant. On other transcripts: intron variant (137).
Genome position (GRCh38, 1-based): chr17:43,092,511, G>A on the plus strand (C>T on the coding strand, the complement: BRCA1 is on the minus strand). VCF-style: chr17-43092511-G-A. GRCh37 (hg19) VCF-style: chr17-41244528-G-A.
Other names: c.578-1479C>T (NM_001408485.1, NM_001408489.1, NM_001408479.1 and 9 more transcripts); c.2753C>T, p.Ser918Leu (NM_001407930.1, NM_001407931.1, NM_001407932.1 and 2 more transcripts); c.662-1479C>T (NM_001408447.1, NM_001408433.1, NM_001408448.1 and 6 more transcripts); c.785-1479C>T (NM_001408400.1, NM_001408392.1, NM_001407986.1 and 13 more transcripts); c.2756C>T, p.Ser919Leu (NM_001407933.1, NM_001407935.1, NM_001407920.1 and 9 more transcripts); c.2879C>T, p.Ser960Leu (NM_001407942.1, NM_001407692.1, NM_001407694.1 and 29 more transcripts); c.2897C>T, p.Ser966Leu (NM_001407939.1, NM_001407937.1, NM_001407938.1 and 19 more transcripts); c.2894C>T, p.Ser965Leu (NM_001407940.1, NM_001407941.1, NM_001407649.1 and 11 more transcripts); and 41 more; short protein forms S918L, S936L, S1007L, S839L, S880L, S939L, S940L, S959L.
Identifiers: ClinVar variation 2760192 (VCV002760192.3), dbSNP rs80357168, ClinGen allele CA10595950.